The following is an entry in ClinVar:

ClinVar aggregate classification (germline): Uncertain significance (1 of 4 stars; one submission).

Submission:

CeGaT Center for Human Genetics Tuebingen
Classification: Uncertain significance. Last evaluated: 2024-08-01. Review status: criteria provided, single submitter. Criteria: CeGaT Center For Human Genetics Tuebingen Variant Classification Criteria Version 2. Collection method: clinical testing. Allele origin: germline. Affected: yes. Observed: 1 variant allele.
Comment: NEB: PM2

NM_001164508.2(NEB):c.1955C>G (p.Thr652Ser)

Gene: NEB (nebulin; minus strand). Cytogenetic location: 2q23.3.
Variant type: single nucleotide variant.
Coding change: c.1955C>G on transcript NM_001164508.2 (MANE Select); coding-DNA position 1955, C replaced by G.
Protein change: p.Thr652Ser; replaces threonine 652 with serine.
Molecular consequence: missense variant.
Genome position (GRCh38, 1-based): chr2:151,692,304, G>C on the plus strand (C>G on the coding strand, the complement: NEB is on the minus strand). VCF-style: chr2-151692304-G-C. GRCh37 (hg19) VCF-style: chr2-152548818-G-C.
Other names: c.1955C>G, p.Thr652Ser (NM_001164507.2, NM_001271208.2, NM_004543.5); short protein forms T652S.
Identifiers: ClinVar variation 3341932 (VCV003341932.16).
Genomic context (GRCh38, chr2:151,692,304, plus strand): 5'-ACCGTGGCTTTTCGAACCTCACTGAAGTTCTTCAGCTGAGTATCAAGTTGATATTTTGGG[G>C]TCTCACAGTAATTCATACTCTTTGCCTTTGTCTTCTCATAGTTTTCCTTGTATAATCTCT-3'
Protein context (NP_001157980.2, residues 642-662): TKAKSMNYCE[Thr652Ser]PKYQLDTQLK